The following is an entry in ClinVar:

ClinVar aggregate classification (germline): Uncertain significance (1 of 4 stars; one submission).

Conditions:
Dilated cardiomyopathy 1O (CMD1O). Also called: CARDIOMYOPATHY, DILATED, WITH VENTRICULAR TACHYCARDIA. Identifiers: Orphanet 154, MedGen C1837839, MONDO:0012062, OMIM 608569.

Submission:

Labcorp Genetics (formerly Invitae), Labcorp
Classification: Uncertain significance for Dilated cardiomyopathy 1O. Last evaluated: 2018-05-05. Review status: criteria provided, single submitter. Criteria: Invitae Variant Classification Sherloc (09022015). Collection method: clinical testing. Allele origin: germline.
Comment: This variant has not been reported in the literature in individuals with ABCC9-related disease. This variant is not present in population databases (ExAC no frequency). This sequence change replaces aspartic acid with glutamic acid at codon 161 of the ABCC9 protein (p.Asp161Glu). The aspartic acid residue is weakly conserved and there is a small physicochemical difference between aspartic acid and glutamic acid. In summary, the available evidence is currently insufficient to determine the role of this variant in disease. Therefore, it has been classified as a Variant of Uncertain Significance. Algorithms developed to predict the effect of missense changes on protein structure and function (SIFT, PolyPhen-2, Align-GVGD) all suggest that this variant is likely to be tolerated, but these predictions have not been confirmed by published functional studies and their clinical significance is uncertain.

NM_020297.4(ABCC9):c.483C>G (p.Asp161Glu)

Gene: ABCC9 (ATP binding cassette subfamily C member 9; minus strand). Cytogenetic location: 12p12.1.
Variant type: single nucleotide variant.
Coding change: c.483C>G on transcript NM_020297.4 (MANE Select); coding-DNA position 483, C replaced by G.
Protein change: p.Asp161Glu; replaces aspartic acid 161 with glutamic acid.
Molecular consequence: missense variant. On other transcripts: intron variant (1).
Genome position (GRCh38, 1-based): chr12:21,917,027, G>C on the plus strand (C>G on the coding strand, the complement: ABCC9 is on the minus strand). VCF-style: chr12-21917027-G-C. GRCh37 (hg19) VCF-style: chr12-22069961-G-C.
Other names: c.483C>G, p.Asp161Glu (NM_001377273.1, NM_005691.4); c.-48-3961C>G (NM_001377274.1); short protein forms D161E.
Identifiers: ClinVar variation 573028 (VCV000573028.8), dbSNP rs777836104, ClinGen allele CA384125608.
Genomic context (GRCh38, chr12:21,917,027, plus strand): 5'-CATCAAGAGCCCATTCAAGATGACCATCATGCCTGTGATGCAGAAACGCAGGTTTGATAT[G>C]TCCAAGCCAGACTGACAGTACTTAACCAATTTTATTGTTTTTGTAATAAAGGCCATTACC-3'
Protein context (NP_064693.2, residues 151-171): KLVKYCQSGL[Asp161Glu]ISNLRFCITG